The following is an entry in ClinVar:

ClinVar aggregate classification (germline): Uncertain significance (1 of 4 stars; one submission).

Conditions:
Evans syndrome, immunodeficiency, and premature immunosenescence associated with tripeptidyl-peptidase II deficiency. Identifiers: MedGen CN231723. Disease mechanism: loss of function.

gnomAD v4.1: 1 of 1,595,146 alleles (0.000063%); highest among the groups gnomAD compares: East Asian, 0.0022%; no homozygotes.

Submission:

Labcorp Genetics (formerly Invitae), Labcorp
Classification: Uncertain significance for Evans syndrome, immunodeficiency, and premature immunosenescence associated with tripeptidyl-peptidase II deficiency. Last evaluated: 2024-10-30. Review status: criteria provided, single submitter. Criteria: Invitae Variant Classification Sherloc (09022015). Collection method: clinical testing. Allele origin: germline.
Comment: This sequence change falls in intron 5 of the TPP2 gene. It does not directly change the encoded amino acid sequence of the TPP2 protein. It affects a nucleotide within the consensus splice site. This variant is not present in population databases (gnomAD no frequency). This variant has not been reported in the literature in individuals affected with TPP2-related conditions. Variants that disrupt the consensus splice site are a relatively common cause of aberrant splicing (PMID: 17576681, 9536098). Algorithms developed to predict the effect of sequence changes on RNA splicing suggest that this variant is not likely to affect RNA splicing. In summary, the available evidence is currently insufficient to determine the role of this variant in disease. Therefore, it has been classified as a Variant of Uncertain Significance.

Literature cited by the submitters: PubMed 17576681; PubMed 9536098.

NM_001330588.2(TPP2):c.621-3T>C

Gene: TPP2 (tripeptidyl peptidase 2; plus strand). Cytogenetic location: 13q33.1.
Variant type: single nucleotide variant.
Coding change: c.621-3T>C on transcript NM_001330588.2 (MANE Select); 3 bases into the intron before coding-DNA position 621, T replaced by C.
Molecular consequence: intron variant.
Genome position (GRCh38, 1-based): chr13:102,622,874, T>C. VCF-style: chr13-102622874-T-C. GRCh37 (hg19) VCF-style: chr13-103275224-T-C.
Other names: c.621-3T>C (NM_001367947.1, NM_003291.4).
Identifiers: ClinVar variation 3616130 (VCV003616130.2).